The following is an entry in ClinVar:

ClinVar aggregate classification (germline): Uncertain significance (1 of 4 stars; one submission).

Conditions:
Amyotrophic lateral sclerosis type 4 (ALS4). Also called: NEURONOPATHY, DISTAL HEREDITARY MOTOR, WITH PYRAMIDAL FEATURES; AMYOTROPHIC LATERAL SCLEROSIS 4, JUVENILE. Identifiers: Orphanet 357043, MedGen C1865409, MONDO:0011223, OMIM 602433.
Spinocerebellar ataxia, autosomal recessive, with axonal neuropathy 2 (SCAN2). Also called: Ataxia with Oculomotor Apraxia; Ataxia-ocular apraxia-2; ATAXIA-OCULOMOTOR APRAXIA 2; Ataxia with Oculomotor Apraxia Type 2. Identifiers: Orphanet 64753, MedGen C1853761, MONDO:0018996, OMIM 606002.

Allele frequency attached by ClinVar (database versions not stated): gnomAD exomes below 0.00001.
gnomAD v4.1: 1 of 1,614,190 alleles (0.000062%); highest among the groups gnomAD compares: East Asian, 0.0022%; no homozygotes.

Submission:

Labcorp Genetics (formerly Invitae), Labcorp
Classification: Uncertain significance for Amyotrophic lateral sclerosis type 4; Spinocerebellar ataxia, autosomal recessive, with axonal neuropathy 2. Last evaluated: 2020-04-20. Review status: criteria provided, single submitter. Criteria: Invitae Variant Classification Sherloc (09022015). Collection method: clinical testing. Allele origin: germline.
Comment: This sequence change replaces asparagine with aspartic acid at codon 529 of the SETX protein (p.Asn529Asp). The asparagine residue is moderately conserved and there is a small physicochemical difference between asparagine and aspartic acid. In summary, the available evidence is currently insufficient to determine the role of this variant in disease. Therefore, it has been classified as a Variant of Uncertain Significance. Algorithms developed to predict the effect of missense changes on protein structure and function are either unavailable or do not agree on the potential impact of this missense change (SIFT: "Tolerated"; PolyPhen-2: "Probably Damaging"; Align-GVGD: "Class C0"). This variant has not been reported in the literature in individuals with SETX-related conditions. This variant is not present in population databases (ExAC no frequency).

NM_015046.7(SETX):c.1585A>G (p.Asn529Asp)

Gene: SETX (senataxin; minus strand). Cytogenetic location: 9q34.13.
Variant type: single nucleotide variant.
Coding change: c.1585A>G on transcript NM_015046.7 (MANE Select); coding-DNA position 1585, A replaced by G.
Protein change: p.Asn529Asp; replaces asparagine 529 with aspartic acid.
Molecular consequence: missense variant.
Genome position (GRCh38, 1-based): chr9:132,330,013, T>C on the plus strand (A>G on the coding strand, the complement: SETX is on the minus strand). VCF-style: chr9-132330013-T-C. GRCh37 (hg19) VCF-style: chr9-135205400-T-C.
Other names: c.1585A>G, p.Asn529Asp (NM_001351527.2, NM_001351528.2); short protein forms N529D.
Identifiers: ClinVar variation 1022235 (VCV001022235.11), dbSNP rs1847120441, ClinGen allele CA375342271.
Genomic context (GRCh38, chr9:132,330,013, plus strand): 5'-GCTGATAACCTTCTTTAAGGAGACTTCTAATCAGCTGCACATAAGCAAGTTGTACAGAGT[T>C]AGATGGCATGGAATGCAATGACAGTGAAGATATCATTGCTGTTCCTTTGGAGCAATTTCC-3'
Protein context (NP_055861.3, residues 519-539): SSLSLHSMPS[Asn529Asp]SVQLAYVQLI